The following is an entry in ClinVar:

ClinVar aggregate classification (germline): Likely pathogenic (1 of 4 stars; one submission).

Conditions:
Leukodystrophy, hypomyelinating, 2. Also called: PELIZAEUS-MERZBACHER-LIKE DISEASE, 1. Identifiers: Orphanet 280270, Orphanet 280282, MedGen C1837355, MONDO:0012125, OMIM 608804.

Submission:

3billion
Classification: Likely pathogenic for Leukodystrophy, hypomyelinating, 2. Last evaluated: 2025-02-15. Review status: criteria provided, single submitter. Criteria: ACMG Guidelines, 2015. Collection method: clinical testing. Allele origin: germline. Affected: yes.
Comment: The variant is not observed in the gnomAD v4.1.0 dataset. Predicted Consequence/Location: Stop-gained (nonsense): predicted to result in a loss or disruption of normal protein function through protein truncation. The predicted truncated protein may be shortened by more than 10%. Therefore, this variant is classified as Likely pathogenic according to the recommendation of ACMG/AMP guideline.

NM_020435.4(GJC2):c.178C>T (p.Gln60Ter)

Gene: GJC2 (gap junction protein gamma 2; plus strand). Cytogenetic location: 1q42.13.
Variant type: single nucleotide variant.
Coding change: c.178C>T on transcript NM_020435.4 (MANE Select); coding-DNA position 178, C replaced by T.
Protein change: p.Gln60Ter; replaces glutamine 60 with a stop codon.
Molecular consequence: nonsense.
Genome position (GRCh38, 1-based): chr1:228,157,936, C>T. VCF-style: chr1-228157936-C-T. GRCh37 (hg19) VCF-style: chr1-228345637-C-T.
Other names: short protein forms Q60*.
Identifiers: ClinVar variation 4292060 (VCV004292060.1).
Genomic context (GRCh38, chr1:228,157,936, plus strand): 5'-GCTGTGGGCGGCGAGGCCATCTACTCGGACGAGCAGGCCAAGTTCACTTGCAACACGCGG[C>T]AGCCAGGCTGCGACAACGTCTGCTATGACGCCTTCGCGCCCCTGTCGCACGTGCGCTTCT-3'